The following is an entry in ClinVar:

ClinVar aggregate classification (germline): Uncertain significance (1 of 4 stars; one submission).

gnomAD v4.1: 1 of 1,614,174 alleles (0.000062%); no homozygotes.

Submission:

Labcorp Genetics (formerly Invitae), Labcorp
Classification: Uncertain significance. Last evaluated: 2024-07-16. Review status: criteria provided, single submitter. Criteria: Invitae Variant Classification Sherloc (09022015). Collection method: clinical testing. Allele origin: germline.
Comment: This sequence change replaces asparagine, which is neutral and polar, with serine, which is neutral and polar, at codon 502 of the PPM1D protein (p.Asn502Ser). This variant is not present in population databases (gnomAD no frequency). This variant has not been reported in the literature in individuals affected with PPM1D-related conditions. An algorithm developed to predict the effect of missense changes on protein structure and function (PolyPhen-2) suggests that this variant is likely to be tolerated. In summary, the available evidence is currently insufficient to determine the role of this variant in disease. Therefore, it has been classified as a Variant of Uncertain Significance.

NM_003620.4(PPM1D):c.1505A>G (p.Asn502Ser)

Gene: PPM1D (protein phosphatase, Mg2+/Mn2+ dependent 1D; plus strand). Cytogenetic location: 17q23.2.
Variant type: single nucleotide variant.
Coding change: c.1505A>G on transcript NM_003620.4 (MANE Select); coding-DNA position 1505, A replaced by G.
Protein change: p.Asn502Ser; replaces asparagine 502 with serine.
Molecular consequence: missense variant.
Genome position (GRCh38, 1-based): chr17:60,663,239, A>G. VCF-style: chr17-60663239-A-G. GRCh37 (hg19) VCF-style: chr17-58740600-A-G.
Other names: short protein forms N502S.
Identifiers: ClinVar variation 3627434 (VCV003627434.2).